The following is an entry in ClinVar:

NM_000257.4(MYH7):c.1264T>A (p.Tyr422Asn)

Gene: MYH7 (myosin heavy chain 7; minus strand). Cytogenetic location: 14q11.2.
Variant type: single nucleotide variant.
Coding change: c.1264T>A on transcript NM_000257.4 (MANE Select); coding-DNA position 1264, T replaced by A.
Protein change: p.Tyr422Asn; replaces tyrosine 422 with asparagine.
Molecular consequence: missense variant.
Genome position (GRCh38, 1-based): chr14:23,429,098, A>T on the plus strand (T>A on the coding strand, the complement: MYH7 is on the minus strand). VCF-style: chr14-23429098-A-T. GRCh37 (hg19) VCF-style: chr14-23898307-A-T.
Other names: c.1264T>A, p.Tyr422Asn (NM_001407004.1); short protein forms Y422N.
Identifiers: ClinVar variation 3297522 (VCV003297522.1).

ClinVar aggregate classification (germline): Uncertain significance (1 of 4 stars; one submission).

Conditions:
Cardiovascular phenotype. Identifiers: MedGen CN230736.

Submission:

Ambry Genetics
Classification: Uncertain significance for Cardiovascular phenotype. Last evaluated: 2024-05-09. Review status: criteria provided, single submitter. Criteria: Ambry Variant Classification Scheme 2023. Collection method: clinical testing. Allele origin: germline.
Comment: The p.Y422N variant (also known as c.1264T>A), located in coding exon 12 of the MYH7 gene, results from a T to A substitution at nucleotide position 1264. The tyrosine at codon 422 is replaced by asparagine, an amino acid with dissimilar properties. This alteration is located in the myosin head domain, which contains a statistically significant clustering of pathogenic missense variants (Homburger JR et al. Proc Natl Acad Sci U S A, 2016 06;113:6701-6; Walsh R et al. Genet Med, 2017 02;19:192-203; Ambry internal data). This amino acid position is well conserved in available vertebrate species. In addition, this alteration is predicted to be tolerated by in silico analysis. Based on the available evidence, the clinical significance of this variant remains unclear.